The following is an entry in ClinVar:

ClinVar aggregate classification (germline): Uncertain significance (1 of 4 stars; one submission).

Submission:

Labcorp Genetics (formerly Invitae), Labcorp
Classification: Uncertain significance. Last evaluated: 2023-05-25. Review status: criteria provided, single submitter. Criteria: Invitae Variant Classification Sherloc (09022015). Collection method: clinical testing. Allele origin: germline.
Comment: This sequence change replaces valine, which is neutral and non-polar, with leucine, which is neutral and non-polar, at codon 1545 of the ALPK3 protein (p.Val1545Leu). This variant has not been reported in the literature in individuals affected with ALPK3-related conditions. Advanced modeling of protein sequence and biophysical properties (such as structural, functional, and spatial information, amino acid conservation, physicochemical variation, residue mobility, and thermodynamic stability) performed at Invitae indicates that this missense variant is not expected to disrupt ALPK3 protein function. In summary, the available evidence is currently insufficient to determine the role of this variant in disease. Therefore, it has been classified as a Variant of Uncertain Significance. This variant is not present in population databases (gnomAD no frequency).

NM_020778.5(ALPK3):c.4027G>C (p.Val1343Leu)

Gene: ALPK3 (alpha kinase 3; plus strand). Cytogenetic location: 15q25.3.
Variant type: single nucleotide variant.
Coding change: c.4027G>C on transcript NM_020778.5 (MANE Select); coding-DNA position 4027, G replaced by C.
Protein change: p.Val1343Leu; replaces valine 1343 with leucine.
Molecular consequence: missense variant.
Genome position (GRCh38, 1-based): chr15:84,859,837, G>C. VCF-style: chr15-84859837-G-C. GRCh37 (hg19) VCF-style: chr15-85403068-G-C.
Other names: short protein forms V1343L.
Identifiers: ClinVar variation 3023788 (VCV003023788.3), dbSNP rs1054844497, ClinGen allele CA393361916.